The following is an entry in ClinVar:

ClinVar aggregate classification (germline): Uncertain significance (1 of 4 stars; one submission).

gnomAD v4.1: 64 of 1,551,086 alleles (0.0041%); highest among the groups gnomAD compares: Non-Finnish European, 0.0054%; no homozygotes.

Submission:

Labcorp Genetics (formerly Invitae), Labcorp
Classification: Uncertain significance. Last evaluated: 2025-11-03. Review status: criteria provided, single submitter. Criteria: Invitae Variant Classification Sherloc (09022015). Collection method: clinical testing. Allele origin: germline.
Comment: This sequence change replaces asparagine, which is neutral and polar, with serine, which is neutral and polar, at codon 847 of the FAM65B protein (p.Asn847Ser). This variant is present in population databases (no rsID available, gnomAD 0.004%). This variant has not been reported in the literature in individuals affected with FAM65B-related conditions. An algorithm developed to predict the effect of missense changes on protein structure and function outputs the following: PolyPhen-2: "Benign". The serine amino acid residue is found in multiple mammalian species, which suggests that this missense change does not adversely affect protein function. In summary, the available evidence is currently insufficient to determine the role of this variant in disease. Therefore, it has been classified as a Variant of Uncertain Significance.

NM_001286445.3(RIPOR2):c.2477A>G (p.Asn826Ser)

Gene: RIPOR2 (RHO family interacting cell polarization regulator 2; minus strand). Cytogenetic location: 6p22.3.
Variant type: single nucleotide variant.
Coding change: c.2477A>G on transcript NM_001286445.3 (MANE Select); coding-DNA position 2477, A replaced by G.
Protein change: p.Asn826Ser; replaces asparagine 826 with serine.
Molecular consequence: missense variant.
Genome position (GRCh38, 1-based): chr6:24,830,538, T>C on the plus strand (A>G on the coding strand, the complement: RIPOR2 is on the minus strand). VCF-style: chr6-24830538-T-C. GRCh37 (hg19) VCF-style: chr6-24830766-T-C.
Other names: c.2390A>G, p.Asn797Ser (NM_001346031.2, NM_001346032.2); c.2540A>G, p.Asn847Ser (NM_014722.5); short protein forms N797S, N826S, N847S.
Identifiers: ClinVar variation 4754606 (VCV004754606.1).